The following is an entry in ClinVar:

NM_001122955.4(BSCL2):c.1024_1025del (p.Asp342fs)

Genes: HNRNPUL2-BSCL2 (HNRNPUL2-BSCL2 readthrough (NMD candidate); minus strand), BSCL2 (BSCL2 lipid droplet biogenesis associated, seipin; minus strand). Cytogenetic location: 11q12.3.
Variant type: Microsatellite.
Coding change: c.1024_1025del on transcript NM_001122955.4 (MANE Select); coding-DNA positions 1024 to 1025, 2 bases deleted (GA; older notation c.1024_1025delGA).
Protein change: p.Asp342fs; shifts the reading frame from aspartic acid 342.
Molecular consequence: frameshift variant. On other transcripts: non-coding transcript variant (1).
Genome position (GRCh38, 1-based): chr11:62,691,122-62,691,123, TC deleted on the plus strand (GA on the coding strand, the reverse complement: BSCL2 is on the minus strand); deleting any 2 consecutive bases within chr11:62,691,122-62,691,126 gives the same sequence; the c. name uses the placement nearest the transcript's 3' end. VCF-style (leftmost placement, unchanged base first): chr11-62691121-GTC-G. GRCh37 (hg19) VCF-style: chr11-62458593-GTC-G.
Other names: c.690_691del, p.Glu230fs (NM_001130702.2); c.1024_1025del, p.Asp342fs (NM_001386027.1, NM_001386028.1); c.832_833del, p.Asp278fs (NM_032667.6); short protein forms E230fs, D342fs, D278fs.
Identifiers: ClinVar variation 2894477 (VCV002894477.3), dbSNP rs2539145269, ClinGen allele CA2574850502.

ClinVar aggregate classification (germline): Pathogenic (1 of 4 stars; one submission).

Conditions:
Charcot-Marie-Tooth disease type 2. Also called: Charcot-Marie-Tooth type 2. Identifiers: Orphanet 64746, MedGen C0270914, MONDO:0018993.

Submission:

Labcorp Genetics (formerly Invitae), Labcorp
Classification: Pathogenic for Charcot-Marie-Tooth disease type 2. Last evaluated: 2023-08-28. Review status: criteria provided, single submitter. Criteria: Invitae Variant Classification Sherloc (09022015). Collection method: clinical testing. Allele origin: germline.
Comment: For these reasons, this variant has been classified as Pathogenic. This premature translational stop signal has been observed in individual(s) with autosomal recessive BSCL2-related conditions (PMID: 27632409). This variant is not present in population databases (gnomAD no frequency). This sequence change creates a premature translational stop signal (p.Asp278Glnfs*18) in the BSCL2 gene. It is expected to result in an absent or disrupted protein product. Loss-of-function variants in BSCL2 are known to be pathogenic (PMID: 11479539, 23564749).

Literature cited by the submitters: PubMed 27632409; PubMed 11479539; PubMed 23564749.